The following is an entry in ClinVar:

ClinVar aggregate classification (germline): Uncertain significance (1 of 4 stars; one submission).

Allele frequency attached by ClinVar (database versions not stated): gnomAD exomes below 0.00001.
gnomAD v4.1: 1 of 1,611,646 alleles (0.000062%); highest among the groups gnomAD compares: Non-Finnish European, 0.000085%; no homozygotes.

Submission:

Labcorp Genetics (formerly Invitae), Labcorp
Classification: Uncertain significance. Last evaluated: 2024-04-05. Review status: criteria provided, single submitter. Criteria: Invitae Variant Classification Sherloc (09022015). Collection method: clinical testing. Allele origin: germline.
Comment: This sequence change replaces alanine, which is neutral and non-polar, with valine, which is neutral and non-polar, at codon 326 of the IRF9 protein (p.Ala326Val). This variant is not present in population databases (gnomAD no frequency). This variant has not been reported in the literature in individuals affected with IRF9-related conditions. ClinVar contains an entry for this variant (Variation ID: 1508724). An algorithm developed to predict the effect of missense changes on protein structure and function (PolyPhen-2) suggests that this variant is likely to be tolerated. In summary, the available evidence is currently insufficient to determine the role of this variant in disease. Therefore, it has been classified as a Variant of Uncertain Significance.

NM_006084.5(IRF9):c.977C>T (p.Ala326Val)

Gene: IRF9 (interferon regulatory factor 9; plus strand). Cytogenetic location: 14q12.
Variant type: single nucleotide variant.
Coding change: c.977C>T on transcript NM_006084.5 (MANE Select); coding-DNA position 977, C replaced by T.
Protein change: p.Ala326Val; replaces alanine 326 with valine.
Molecular consequence: missense variant. On other transcripts: synonymous variant (1).
Genome position (GRCh38, 1-based): chr14:24,164,941, C>T. VCF-style: chr14-24164941-C-T. GRCh37 (hg19) VCF-style: chr14-24634150-C-T.
Other names: c.1004C>T, p.Ala335Val (NM_001385400.1, NM_001385401.1); c.714C>T, p.Arg238= (NM_001385402.1); short protein forms A326V, A335V.
Identifiers: ClinVar variation 1508724 (VCV001508724.8), dbSNP rs2139106015, ClinGen allele CA389210948.